The following is an entry in ClinVar:

ClinVar aggregate classification (germline): Uncertain significance (1 of 4 stars; one submission).

Conditions:
Familial adenomatous polyposis 1 (FAP1). Also called: FAMILIAL ADENOMATOUS POLYPOSIS 1, ATTENUATED; POLYPOSIS, ADENOMATOUS INTESTINAL. Identifiers: MedGen C2713442, MONDO:0021056, OMIM 175100. Disease mechanism: loss of function.

Submission:

Labcorp Genetics (formerly Invitae), Labcorp
Classification: Uncertain significance for Familial adenomatous polyposis 1. Last evaluated: 2025-12-17. Review status: criteria provided, single submitter. Criteria: Invitae Variant Classification Sherloc (09022015). Collection method: clinical testing. Allele origin: germline.
Comment: This sequence change replaces valine, which is neutral and non-polar, with phenylalanine, which is neutral and non-polar, at codon 1479 of the APC protein (p.Val1479Phe). This variant is present in population databases (no rsID available, gnomAD 0.0009%). This variant has not been reported in the literature in individuals affected with APC-related conditions. ClinVar contains an entry for this variant (Variation ID: 1916251). Invitae Evidence Modeling of protein sequence and biophysical properties (such as structural, functional, and spatial information, amino acid conservation, physicochemical variation, residue mobility, and thermodynamic stability) indicates that this missense variant is not expected to disrupt APC protein function with a negative predictive value of 95%. In summary, the available evidence is currently insufficient to determine the role of this variant in disease. Therefore, it has been classified as a Variant of Uncertain Significance.

NM_000038.6(APC):c.4435G>T (p.Val1479Phe)

Gene: APC (APC regulator of Wnt signaling pathway; plus strand). Cytogenetic location: 5q22.2.
Variant type: single nucleotide variant.
Coding change: c.4435G>T on transcript NM_000038.6 (MANE Select); coding-DNA position 4435, G replaced by T.
Protein change: p.Val1479Phe; replaces valine 1479 with phenylalanine.
Molecular consequence: missense variant.
Genome position (GRCh38, 1-based): chr5:112,840,029, G>T. VCF-style: chr5-112840029-G-T. GRCh37 (hg19) VCF-style: chr5-112175726-G-T.
Other names: c.4435G>T, p.Val1479Phe (NM_001127510.3, NM_001354895.2, NM_001407450.1); c.4381G>T, p.Val1461Phe (NM_001127511.3); c.4489G>T, p.Val1497Phe (NM_001354896.2, NM_001407447.1, NM_001407448.1 and 1 more transcripts); c.4465G>T, p.Val1489Phe (NM_001354897.2); c.4360G>T, p.Val1454Phe (NM_001354898.2); c.4351G>T, p.Val1451Phe (NM_001354899.2); c.4312G>T, p.Val1438Phe (NM_001354900.2); c.4258G>T, p.Val1420Phe (NM_001354901.2, NM_001407453.1); and 11 more; short protein forms V1350F, V1095F, V1196F, V1378F, V1388F, V1396F, V1461F, V1489F.
Identifiers: ClinVar variation 1916251 (VCV001916251.5), dbSNP rs1060503271, ClinGen allele CA16031042.